The following is an entry in ClinVar:

NM_014251.3(SLC25A13):c.1818G>T (p.Trp606Cys)

Gene: SLC25A13 (solute carrier family 25 member 13; minus strand). Cytogenetic location: 7q21.3.
Variant type: single nucleotide variant.
Coding change: c.1818G>T on transcript NM_014251.3 (MANE Select); coding-DNA position 1818, G replaced by T.
Protein change: p.Trp606Cys; replaces tryptophan 606 with cysteine.
Molecular consequence: missense variant. On other transcripts: non-coding transcript variant (1).
Genome position (GRCh38, 1-based): chr7:96,121,678, C>A on the plus strand (G>T on the coding strand, the complement: SLC25A13 is on the minus strand). VCF-style: chr7-96121678-C-A. GRCh37 (hg19) VCF-style: chr7-95750990-C-A.
Other names: c.1821G>T, p.Trp607Cys (NM_001160210.2); c.1818G>T (NM_014251.2); short protein forms W606C, W607C.
Identifiers: ClinVar variation 1364672 (VCV001364672.4), dbSNP rs893906065, ClinGen allele CA162992317.

ClinVar aggregate classification (germline): Uncertain significance. Review status: criteria provided, multiple submitters, no conflicts (2 of 4 stars). 2 submissions from 2 submitters: Uncertain significance (2). Last evaluated 2025-01-15.

Conditions:
Citrin deficiency. Identifiers: Orphanet 247582, MedGen C1997910, MONDO:0016602.
SLC25A13-related disorder. Also called: SLC25A13-related condition.

Submissions (2):

PreventionGenetics, part of Exact Sciences
Classification: Uncertain significance for SLC25A13-related condition. Last evaluated: 2025-01-15. Review status: criteria provided, single submitter. Criteria: ACMG Guidelines, 2015. Collection method: clinical testing. Allele origin: germline.
Comment: The SLC25A13 c.1818G>T variant is predicted to result in the amino acid substitution p.Trp606Cys. To our knowledge, this variant has not been reported in the literature or in a large population database (gnomAD), indicating this variant is rare. At this time, the clinical significance of this variant is uncertain due to the absence of conclusive functional and genetic evidence.

Labcorp Genetics (formerly Invitae), Labcorp
Classification: Uncertain significance for Citrin deficiency. Last evaluated: 2021-11-28. Review status: criteria provided, single submitter. Criteria: Invitae Variant Classification Sherloc (09022015). Collection method: clinical testing. Allele origin: germline.
Comment: This sequence change replaces tryptophan, which is neutral and slightly polar, with cysteine, which is neutral and slightly polar, at codon 606 of the SLC25A13 protein (p.Trp606Cys). This variant is not present in population databases (gnomAD no frequency). This variant has not been reported in the literature in individuals affected with SLC25A13-related conditions. Advanced modeling of protein sequence and biophysical properties (such as structural, functional, and spatial information, amino acid conservation, physicochemical variation, residue mobility, and thermodynamic stability) performed at Invitae indicates that this missense variant is not expected to disrupt SLC25A13 protein function. In summary, the available evidence is currently insufficient to determine the role of this variant in disease. Therefore, it has been classified as a Variant of Uncertain Significance.